The following is an entry in ClinVar:

NM_000051.4(ATM):c.4463dup (p.Leu1488fs)

Gene: ATM (ATM serine/threonine kinase; plus strand). Cytogenetic location: 11q22.3.
Variant type: Duplication.
Coding change: c.4463dup on transcript NM_000051.4 (MANE Select); coding-DNA position 4463, one base duplicated (T; older notation c.4463dupT).
Protein change: p.Leu1488fs; shifts the reading frame from leucine 1488.
Molecular consequence: frameshift variant.
Genome position (GRCh38, 1-based): chr11:108,292,645, T duplicated; the last of 2 consecutive T bases (chr11:108,292,644-108,292,645); duplicating either gives the same sequence. VCF-style (leftmost placement, unchanged base first): chr11-108292643-A-AT. GRCh37 (hg19) VCF-style: chr11-108163370-A-AT.
Other names: c.4463dup, p.Leu1488fs (NM_001351834.2); short protein forms L1488fs.
Identifiers: ClinVar variation 3728674 (VCV003728674.2).

ClinVar aggregate classification (germline): Pathogenic (1 of 4 stars; one submission).

Conditions:
Ataxia-telangiectasia syndrome (AT). Also called: ATAXIA-TELANGIECTASIA, COMPLEMENTATION GROUP A; ATAXIA-TELANGIECTASIA, FRESNO VARIANT; Ataxia-telangiectasia; Ataxia-telangiectasia, complementation group D; Ataxia-telangiectasia, complementation group E; AT, COMPLEMENTATION GROUP C. Identifiers: Orphanet 100, MedGen C0004135, MONDO:0008840, OMIM 208900.

Submission:

Labcorp Genetics (formerly Invitae), Labcorp
Classification: Pathogenic for Ataxia-telangiectasia syndrome. Last evaluated: 2025-01-08. Review status: criteria provided, single submitter. Criteria: Invitae Variant Classification Sherloc (09022015). Collection method: clinical testing. Allele origin: germline.
Comment: This sequence change creates a premature translational stop signal (p.Leu1488Phefs*3) in the ATM gene. It is expected to result in an absent or disrupted protein product. Loss-of-function variants in ATM are known to be pathogenic (PMID: 23807571, 25614872). This variant is not present in population databases (gnomAD no frequency). This variant has not been reported in the literature in individuals affected with ATM-related conditions. Algorithms developed to predict the effect of sequence changes on RNA splicing suggest that this variant may disrupt the consensus splice site. For these reasons, this variant has been classified as Pathogenic.

Literature cited by the submitters: PubMed 23807571; PubMed 25614872.